The following is an entry in ClinVar:

NM_020964.3(EPG5):c.4040A>G (p.Asn1347Ser)

Gene: EPG5 (ectopic P-granules 5 autophagy tethering factor; minus strand). Cytogenetic location: 18q21.1.
Variant type: single nucleotide variant.
Coding change: c.4040A>G on transcript NM_020964.3 (MANE Select); coding-DNA position 4040, A replaced by G.
Protein change: p.Asn1347Ser; replaces asparagine 1347 with serine.
Molecular consequence: missense variant.
Genome position (GRCh38, 1-based): chr18:45,910,686, T>C on the plus strand (A>G on the coding strand, the complement: EPG5 is on the minus strand). VCF-style: chr18-45910686-T-C. GRCh37 (hg19) VCF-style: chr18-43490651-T-C.
Other names: short protein forms N1347S.
Identifiers: ClinVar variation 938441 (VCV000938441.8), dbSNP rs371508723, ClinGen allele CA8948993.

ClinVar aggregate classification (germline): Uncertain significance (1 of 4 stars; one submission).

Conditions:
Vici syndrome (VICIS). Identifiers: Orphanet 1493, MedGen C1855772, MONDO:0009452, OMIM 242840.

Allele frequency attached by ClinVar (database versions not stated): ExAC 0.00001; gnomAD 0.00001; gnomAD exomes 0.00001; TOPMed 0.00001; ESP Exome Variant Server 0.00008.
gnomAD v4.1: 17 of 1,613,994 alleles (0.0011%); highest among the groups gnomAD compares: Non-Finnish European, 0.0014%; no homozygotes.

Submission:

Labcorp Genetics (formerly Invitae), Labcorp
Classification: Uncertain significance for Vici syndrome. Last evaluated: 2021-09-02. Review status: criteria provided, single submitter. Criteria: Invitae Variant Classification Sherloc (09022015). Collection method: clinical testing. Allele origin: germline.
Comment: This sequence change replaces asparagine with serine at codon 1347 of the EPG5 protein (p.Asn1347Ser). The asparagine residue is weakly conserved and there is a small physicochemical difference between asparagine and serine. This variant is present in population databases (rs371508723, ExAC 0.002%). This variant has not been reported in the literature in individuals affected with EPG5-related conditions. Algorithms developed to predict the effect of missense changes on protein structure and function output the following: SIFT: "Tolerated"; PolyPhen-2: "Benign"; Align-GVGD: "Class C0". The serine amino acid residue is found in multiple mammalian species, which suggests that this missense change does not adversely affect protein function. Algorithms developed to predict the effect of sequence changes on RNA splicing suggest that this variant may create or strengthen a splice site. In summary, the available evidence is currently insufficient to determine the role of this variant in disease. Therefore, it has been classified as a Variant of Uncertain Significance.